The following is an entry in ClinVar:

ClinVar aggregate classification (germline): Pathogenic (1 of 4 stars; one submission).

Submission:

Labcorp Genetics (formerly Invitae), Labcorp
Classification: Pathogenic. Last evaluated: 2022-08-20. Review status: criteria provided, single submitter. Criteria: Invitae Variant Classification Sherloc (09022015). Collection method: clinical testing. Allele origin: germline.
Comment: For these reasons, this variant has been classified as Pathogenic. This variant has not been reported in the literature in individuals affected with FAT4-related conditions. This variant is not present in population databases (gnomAD no frequency). This sequence change creates a premature translational stop signal (p.Trp3040*) in the FAT4 gene. It is expected to result in an absent or disrupted protein product. Loss-of-function variants in FAT4 are known to be pathogenic (PMID: 24056717, 24913602).

Literature cited by the submitters: PubMed 24056717; PubMed 24913602.

NM_001291303.3(FAT4):c.9125G>A (p.Trp3042Ter)

Gene: FAT4 (FAT atypical cadherin 4; plus strand). Cytogenetic location: 4q28.1.
Variant type: single nucleotide variant.
Coding change: c.9125G>A on transcript NM_001291303.3 (MANE Select); coding-DNA position 9125, G replaced by A.
Protein change: p.Trp3042Ter; replaces tryptophan 3042 with a stop codon.
Molecular consequence: nonsense.
Genome position (GRCh38, 1-based): chr4:125,450,135, G>A. VCF-style: chr4-125450135-G-A. GRCh37 (hg19) VCF-style: chr4-126371290-G-A.
Other names: c.9125G>A, p.Trp3042Ter (NM_001291285.3); c.9119G>A, p.Trp3040Ter (NM_024582.6); short protein forms W3040*, W3042*.
Identifiers: ClinVar variation 2118255 (VCV002118255.4), dbSNP rs2530901028, ClinGen allele CA358150077.